The following is an entry in ClinVar:

NM_020928.2(ZSWIM6):c.3039G>A (p.Ala1013=)

Gene: ZSWIM6 (zinc finger SWIM-type containing 6; plus strand). Cytogenetic location: 5q12.1.
Variant type: single nucleotide variant.
Coding change: c.3039G>A on transcript NM_020928.2 (MANE Select); coding-DNA position 3039, G replaced by A.
Protein change: p.Ala1013=; no amino-acid change (alanine 1013 retained).
Molecular consequence: synonymous variant.
Genome position (GRCh38, 1-based): chr5:61,543,708, G>A. VCF-style: chr5-61543708-G-A. GRCh37 (hg19) VCF-style: chr5-60839535-G-A.
Identifiers: ClinVar variation 1599157 (VCV001599157.41), dbSNP rs374621238, ClinGen allele CA3278502.

ClinVar aggregate classification (germline): Benign/Likely benign. Review status: criteria provided, multiple submitters, no conflicts (2 of 4 stars). 4 submissions from 4 submitters: Benign (2); Likely benign (2). Last evaluated 2026-05-01.

Allele frequency attached by ClinVar (database versions not stated): gnomAD 0.00021 and 0.00028; gnomAD exomes 0.00030 and 0.00047; TOPMed 0.00039; 1000 Genomes Project 30x 0.00094; ExAC 0.00074; 1000 Genomes Project 0.00080.
gnomAD v4.1: 469 of 1,551,572 alleles (0.03%); highest among the groups gnomAD compares: Middle Eastern, 0.38%; 1 homozygote.

Submissions (4):

CeGaT Center for Human Genetics Tuebingen
Classification: Likely benign. Last evaluated: 2026-05-01. Review status: criteria provided, single submitter. Criteria: CeGaT Center For Human Genetics Tuebingen Variant Classification Criteria Version 2. Collection method: clinical testing. Allele origin: germline. Affected: yes. Observed: 3 variant alleles.
Comment: ZSWIM6: BP4, BP7

Labcorp Genetics (formerly Invitae), Labcorp
Classification: Benign. Last evaluated: 2026-01-26. Review status: criteria provided, single submitter. Criteria: Invitae Variant Classification Sherloc (09022015). Collection method: clinical testing. Allele origin: germline.

Blueprint Genetics
Classification: Likely benign. Last evaluated: 2024-10-31. Review status: criteria provided, single submitter. Criteria: ACMG Guidelines, 2015. Collection method: clinical testing. Allele origin: germline.

Breakthrough Genomics
Classification: Benign. Review status: criteria provided, single submitter. Criteria: ACMG Guidelines, 2015. Collection method: not provided. Allele origin: germline. Inheritance: Autosomal dominant inheritance. Affected: yes.